The following is an entry in ClinVar:

NM_004706.4(ARHGEF1):c.1267+3G>T

Gene: ARHGEF1 (Rho guanine nucleotide exchange factor 1; plus strand). Cytogenetic location: 19q13.2.
Variant type: single nucleotide variant.
Coding change: c.1267+3G>T on transcript NM_004706.4 (MANE Select); 3 bases into the intron after coding-DNA position 1267, G replaced by T.
Molecular consequence: intron variant.
Genome position (GRCh38, 1-based): chr19:41,898,590, G>T. VCF-style: chr19-41898590-G-T. GRCh37 (hg19) VCF-style: chr19-42402739-G-T.
Other names: c.1267+3G>T (NM_001396003.1, NM_001396006.1); c.1168+3G>T (NM_001396002.1, NM_198977.2, NM_001396004.1); c.1435+3G>T (NM_001396000.1); c.1312+3G>T (NM_199002.2).
Identifiers: ClinVar variation 1967813 (VCV001967813.5), dbSNP rs781910854, ClinGen allele CA9466319.

ClinVar aggregate classification (germline): Uncertain significance (1 of 4 stars; one submission).

Allele frequency attached by ClinVar (database versions not stated): gnomAD 0.00001; gnomAD exomes 0.00001; TOPMed 0.00001; ExAC 0.00006.
gnomAD v4.1: 12 of 1,585,096 alleles (0.00076%); highest among the groups gnomAD compares: Non-Finnish European, 0.00086%; no homozygotes.

Submission:

Labcorp Genetics (formerly Invitae), Labcorp
Classification: Uncertain significance. Last evaluated: 2022-04-30. Review status: criteria provided, single submitter. Criteria: Invitae Variant Classification Sherloc (09022015). Collection method: clinical testing. Allele origin: germline.
Comment: In summary, the available evidence is currently insufficient to determine the role of this variant in disease. Therefore, it has been classified as a Variant of Uncertain Significance. Variants that disrupt the consensus splice site are a relatively common cause of aberrant splicing (PMID: 17576681, 9536098). Algorithms developed to predict the effect of sequence changes on RNA splicing suggest that this variant may create or strengthen a splice site. This variant has not been reported in the literature in individuals affected with ARHGEF1-related conditions. The frequency data for this variant in the population databases is considered unreliable, as metrics indicate poor data quality at this position in the gnomAD database. This sequence change falls in intron 14 of the ARHGEF1 gene. It does not directly change the encoded amino acid sequence of the ARHGEF1 protein. It affects a nucleotide within the consensus splice site.

Literature cited by the submitters: PubMed 17576681; PubMed 9536098.